The following is an entry in ClinVar:

ClinVar aggregate classification (germline): Conflicting classifications of pathogenicity. Review status: criteria provided, conflicting classifications (1 of 4 stars). 2 submissions from 2 submitters: Uncertain significance (1); Likely benign (1). Last evaluated 2026-06-03.

Conditions:
Hereditary cancer-predisposing syndrome. Also called: Neoplastic Syndromes, Hereditary; Tumor predisposition; Hereditary Cancer Syndrome; Hereditary neoplastic syndrome. Identifiers: Orphanet 140162, MedGen C0027672, MeSH D009386, MONDO:0015356.
Renal cell carcinoma. Identifiers: Orphanet 217071, MedGen C0007134, MeSH D002292, MONDO:0005086, HP:0005584.

Submissions (2):

Ambry Genetics
Classification: Likely benign for Hereditary cancer-predisposing syndrome. Last evaluated: 2026-06-03. Review status: criteria provided, single submitter. Criteria: Ambry Variant Classification Scheme 2023. Collection method: clinical testing. Allele origin: germline.

Labcorp Genetics (formerly Invitae), Labcorp
Classification: Uncertain significance for Renal cell carcinoma. Last evaluated: 2024-02-06. Review status: criteria provided, single submitter. Criteria: Invitae Variant Classification Sherloc (09022015). Collection method: clinical testing. Allele origin: germline.
Comment: This sequence change replaces asparagine, which is neutral and polar, with aspartic acid, which is acidic and polar, at codon 256 of the MET protein (p.Asn256Asp). This variant is not present in population databases (gnomAD no frequency). This variant has not been reported in the literature in individuals affected with MET-related conditions. Advanced modeling of protein sequence and biophysical properties (such as structural, functional, and spatial information, amino acid conservation, physicochemical variation, residue mobility, and thermodynamic stability) performed at Invitae indicates that this missense variant is not expected to disrupt MET protein function with a negative predictive value of 80%. In summary, the available evidence is currently insufficient to determine the role of this variant in disease. Therefore, it has been classified as a Variant of Uncertain Significance.

NM_000245.4(MET):c.766A>G (p.Asn256Asp)

Gene: MET (MET proto-oncogene, receptor tyrosine kinase; plus strand). Cytogenetic location: 7q31.2.
Variant type: single nucleotide variant.
Coding change: c.766A>G on transcript NM_000245.4 (MANE Select); coding-DNA position 766, A replaced by G.
Protein change: p.Asn256Asp; replaces asparagine 256 with aspartic acid.
Molecular consequence: missense variant. On other transcripts: intron variant (1).
Genome position (GRCh38, 1-based): chr7:116,699,850, A>G. VCF-style: chr7-116699850-A-G. GRCh37 (hg19) VCF-style: chr7-116339904-A-G.
Other names: c.766A>G, p.Asn256Asp (NM_001127500.3, NM_001324401.3); c.-91+27273A>G (NM_001324402.2); short protein forms N256D.
Identifiers: ClinVar variation 3233009 (VCV003233009.4), dbSNP rs2116597314, ClinGen allele CA368969804.